The following is an entry in ClinVar:

ClinVar aggregate classification (germline): Uncertain significance (1 of 4 stars; one submission).

Submission:

Labcorp Genetics (formerly Invitae), Labcorp
Classification: Uncertain significance. Last evaluated: 2025-12-31. Review status: criteria provided, single submitter. Criteria: Invitae Variant Classification Sherloc (09022015). Collection method: clinical testing. Allele origin: germline.
Comment: This variant, c.4218_4229del, results in the deletion of 4 amino acid(s) of the MAST1 protein (p.Val1407_Ala1410del), but otherwise preserves the integrity of the reading frame. This variant is not present in population databases (gnomAD no frequency). This variant has not been reported in the literature in individuals affected with MAST1-related conditions. Experimental studies and prediction algorithms are not available or were not evaluated, and the functional significance of this variant is currently unknown. In summary, the available evidence is currently insufficient to determine the role of this variant in disease. Therefore, it has been classified as a Variant of Uncertain Significance.

NM_014975.3(MAST1):c.4218_4229del (p.Val1407_Ala1410del)

Gene: MAST1 (microtubule associated serine/threonine kinase 1; plus strand). Cytogenetic location: 19p13.13.
Variant type: Deletion.
Coding change: c.4218_4229del on transcript NM_014975.3 (MANE Select); coding-DNA positions 4218 to 4229, 12 bases deleted (TGTGGCCAAGGC).
Protein change: p.Val1407_Ala1410del.
Genome position (GRCh38, 1-based): chr19:12,874,375-12,874,386, TGTGGCCAAGGC deleted; deleting any 12 consecutive bases within chr19:12,874,372-12,874,386 gives the same sequence; the c. name uses the placement nearest the transcript's 3' end. VCF-style (leftmost placement, unchanged base first): chr19-12874371-GGGCTGTGGCCAA-G. GRCh37 (hg19) VCF-style: chr19-12985185-GGGCTGTGGCCAA-G.
Identifiers: ClinVar variation 4774354 (VCV004774354.1).